The following is an entry in ClinVar:

NM_003151.4(STAT4):c.1790T>C (p.Leu597Ser)

Gene: STAT4 (signal transducer and activator of transcription 4; minus strand). Cytogenetic location: 2q32.2.
Variant type: single nucleotide variant.
Coding change: c.1790T>C on transcript NM_003151.4 (MANE Select); coding-DNA position 1790, T replaced by C.
Protein change: p.Leu597Ser; replaces leucine 597 with serine.
Molecular consequence: missense variant.
Genome position (GRCh38, 1-based): chr2:191,033,552, A>G on the plus strand (T>C on the coding strand, the complement: STAT4 is on the minus strand). VCF-style: chr2-191033552-A-G. GRCh37 (hg19) VCF-style: chr2-191898278-A-G.
Other names: c.1790T>C, p.Leu597Ser (NM_001243835.2); short protein forms L597S.
Identifiers: ClinVar variation 2893119 (VCV002893119.4), dbSNP rs770306554, ClinGen allele CA2030484.

ClinVar aggregate classification (germline): Uncertain significance. Review status: criteria provided, multiple submitters, no conflicts (2 of 4 stars). 2 submissions from 2 submitters: Uncertain significance (2). Last evaluated 2024-02-01.

Conditions:
Disabling pansclerotic morphea of childhood (DPMC). Also called: SCLERODERMA, JUVENILE LOCALIZED. Identifiers: MedGen C3898649, MONDO:0957497, OMIM 620443.

Allele frequency attached by ClinVar (database versions not stated): ExAC 0.00001; gnomAD exomes 0.00001; TOPMed 0.00002; gnomAD 0.00003.
gnomAD v4.1: 12 of 1,614,052 alleles (0.00074%); highest among the groups gnomAD compares: African/African-American, 0.0027%; no homozygotes.

Submissions (2):

Baylor Genetics
Classification: Uncertain significance for Disabling pansclerotic morphea of childhood. Last evaluated: 2024-02-01. Review status: criteria provided, single submitter. Criteria: ACMG Guidelines, 2015. Collection method: clinical testing. Allele origin: unknown.

Labcorp Genetics (formerly Invitae), Labcorp
Classification: Uncertain significance. Last evaluated: 2023-11-10. Review status: criteria provided, single submitter. Criteria: Invitae Variant Classification Sherloc (09022015). Collection method: clinical testing. Allele origin: germline.
Comment: This sequence change replaces leucine, which is neutral and non-polar, with serine, which is neutral and polar, at codon 597 of the STAT4 protein (p.Leu597Ser). This variant is present in population databases (rs770306554, gnomAD 0.007%). This variant has not been reported in the literature in individuals affected with STAT4-related conditions. Advanced modeling of protein sequence and biophysical properties (such as structural, functional, and spatial information, amino acid conservation, physicochemical variation, residue mobility, and thermodynamic stability) performed at Invitae indicates that this missense variant is expected to disrupt STAT4 protein function with a positive predictive value of 80%. In summary, the available evidence is currently insufficient to determine the role of this variant in disease. Therefore, it has been classified as a Variant of Uncertain Significance.